The following is an entry in ClinVar:

ClinVar aggregate classification (germline): Uncertain significance (1 of 4 stars; one submission).

Conditions:
Hyperphosphatasia with impaired intellectual development syndrome 2. Also called: Hyperphosphatasia with intellectual disability syndrome 2; GLYCOSYLPHOSPHATIDYLINOSITOL BIOSYNTHESIS DEFECT 6. Identifiers: Orphanet 247262, MedGen C3553637, MONDO:0013882, OMIM 614749.

Allele frequency attached by ClinVar (database versions not stated): TOPMed 0.00001; gnomAD exomes 0.00002; ExAC 0.00001.

Submission:

Labcorp Genetics (formerly Invitae), Labcorp
Classification: Uncertain significance for Hyperphosphatasia with impaired intellectual development syndrome 2. Last evaluated: 2025-05-05. Review status: criteria provided, single submitter. Criteria: Invitae Variant Classification Sherloc (09022015). Collection method: clinical testing. Allele origin: germline.
Comment: This sequence change replaces valine, which is neutral and non-polar, with alanine, which is neutral and non-polar, at codon 6 of the PIGO protein (p.Val6Ala). This variant is present in population databases (rs767770355, gnomAD 0.01%). This variant has not been reported in the literature in individuals affected with PIGO-related conditions. ClinVar contains an entry for this variant (Variation ID: 1054730). Invitae Evidence Modeling of protein sequence and biophysical properties (such as structural, functional, and spatial information, amino acid conservation, physicochemical variation, residue mobility, and thermodynamic stability) indicates that this missense variant is not expected to disrupt PIGO protein function with a negative predictive value of 80%. In summary, the available evidence is currently insufficient to determine the role of this variant in disease. Therefore, it has been classified as a Variant of Uncertain Significance.

NM_032634.4(PIGO):c.17T>C (p.Val6Ala)

Gene: PIGO (phosphatidylinositol glycan anchor biosynthesis class O; minus strand). Cytogenetic location: 9p13.3.
Variant type: single nucleotide variant.
Coding change: c.17T>C on transcript NM_032634.4 (MANE Select); coding-DNA position 17, T replaced by C.
Protein change: p.Val6Ala; replaces valine 6 with alanine.
Molecular consequence: missense variant.
Genome position (GRCh38, 1-based): chr9:35,095,549, A>G on the plus strand (T>C on the coding strand, the complement: PIGO is on the minus strand). VCF-style: chr9-35095549-A-G. GRCh37 (hg19) VCF-style: chr9-35095546-A-G.
Other names: c.17T>C, p.Val6Ala (NM_001201484.2, NM_152850.4); short protein forms V6A.
Identifiers: ClinVar variation 1054730 (VCV001054730.9), dbSNP rs767770355, ClinGen allele CA5041022.